The following is an entry in ClinVar:

ClinVar aggregate classification (germline): Uncertain significance. Review status: criteria provided, multiple submitters, no conflicts (2 of 4 stars). 2 submissions from 2 submitters: Uncertain significance (2). Last evaluated 2025-08-14.

Conditions:
Inborn genetic diseases. Identifiers: MedGen C0950123, MeSH D030342.

Allele frequency attached by ClinVar (database versions not stated): ExAC 0.00001; gnomAD 0.00001; gnomAD exomes 0.00001; TOPMed 0.00002; 1000 Genomes Project 30x 0.00031; 1000 Genomes Project 0.00040.

Submissions (2):

Ambry Genetics
Classification: Uncertain significance for Inborn genetic diseases. Last evaluated: 2025-08-14. Review status: criteria provided, single submitter. Criteria: Ambry Variant Classification Scheme 2023. Collection method: clinical testing. Allele origin: germline.

GeneDx
Classification: Uncertain significance. Last evaluated: 2022-05-04. Review status: criteria provided, single submitter. Criteria: GeneDx Variant Classification Process June 2021. Collection method: clinical testing. Allele origin: germline. Affected: yes.
Comment: In silico analysis supports that this missense variant has a deleterious effect on protein structure/function; Has not been previously published as pathogenic or benign to our knowledge

NM_001038603.3(MARVELD2):c.838C>T (p.Arg280Trp)

Gene: MARVELD2 (MARVEL domain containing 2; plus strand). Cytogenetic location: 5q13.2.
Variant type: single nucleotide variant.
Coding change: c.838C>T on transcript NM_001038603.3 (MANE Select); coding-DNA position 838, C replaced by T.
Protein change: p.Arg280Trp; replaces arginine 280 with tryptophan.
Molecular consequence: missense variant.
Genome position (GRCh38, 1-based): chr5:69,420,223, C>T. VCF-style: chr5-69420223-C-T. GRCh37 (hg19) VCF-style: chr5-68716050-C-T.
Other names: c.838C>T, p.Arg280Trp (NM_001244734.2); short protein forms R280W.
Identifiers: ClinVar variation 1722870 (VCV001722870.3), dbSNP rs186233845, ClinGen allele CA3294125.
Genomic context (GRCh38, chr5:69,420,223, plus strand): 5'-GCTGGATTAGCTTGGATCACCACCATTATTATTCTGGTTCTTGGCATGTCCATGTATTAC[C>T]GGACCATTCTTCTGGACTCTAATTGGTGGCCCCTAACTGAATTTGGAATTAACGTTGCCT-3'
Protein context (NP_001033692.2, residues 270-290): ILVLGMSMYY[Arg280Trp]TILLDSNWWP